The following is an entry in ClinVar:

NM_001374736.1(DST):c.12092T>C (p.Ile4031Thr)

Gene: DST (dystonin; minus strand). Cytogenetic location: 6p12.1.
Variant type: single nucleotide variant.
Coding change: c.12092T>C on transcript NM_001374736.1 (MANE Select); coding-DNA position 12092, T replaced by C.
Protein change: p.Ile4031Thr; replaces isoleucine 4031 with threonine.
Molecular consequence: missense variant.
Genome position (GRCh38, 1-based): chr6:56,597,843, A>G on the plus strand (T>C on the coding strand, the complement: DST is on the minus strand). VCF-style: chr6-56597843-A-G. GRCh37 (hg19) VCF-style: chr6-56462641-A-G.
Other names: c.5735T>C, p.Ile1912Thr (NM_001144769.5); c.5321T>C, p.Ile1774Thr (NM_001144770.2); c.12092T>C, p.Ile4031Thr (NM_001374722.1); c.11459T>C, p.Ile3820Thr (NM_001374729.1); c.5201T>C, p.Ile1734Thr (NM_001374730.1, NM_001386100.1, NM_183380.4); c.12119T>C, p.Ile4040Thr (NM_001374734.1); c.4223T>C, p.Ile1408Thr (NM_015548.5); short protein forms I1408T, I4031T, I1734T, I4040T, I1774T, I1912T, I3820T.
Identifiers: ClinVar variation 1448511 (VCV001448511.6), dbSNP rs895150079, ClinGen allele CA139191901.

ClinVar aggregate classification (germline): Uncertain significance (1 of 4 stars; one submission).

Conditions:
Hereditary sensory and autonomic neuropathy type 6. Also called: HSAN VI; Neuropathy, hereditary sensory and autonomic, type VI. Identifiers: Orphanet 314381, MedGen C3539003, MONDO:0013839, OMIM 614653.
Epidermolysis bullosa simplex 3, localized or generalized intermediate, with BP230 deficiency (EBS3). Also called: Epidermolysis bullosa simplex, autosomal recessive 2; Epidermolysis bullosa simplex due to BP230 deficiency. Identifiers: Orphanet 412181, MedGen C3809470, MONDO:0014180, OMIM 615425.

Allele frequency attached by ClinVar (database versions not stated): gnomAD exomes below 0.00001; gnomAD 0.00001; TOPMed 0.00001.
gnomAD v4.1: 4 of 1,613,760 alleles (0.00025%); highest among the groups gnomAD compares: East Asian, 0.0022%; no homozygotes.

Submission:

Labcorp Genetics (formerly Invitae), Labcorp
Classification: Uncertain significance for Epidermolysis bullosa simplex 3, localized or generalized intermediate, with BP230 deficiency; Hereditary sensory and autonomic neuropathy type 6. Last evaluated: 2021-08-15. Review status: criteria provided, single submitter. Criteria: Invitae Variant Classification Sherloc (09022015). Collection method: clinical testing. Allele origin: germline.
Comment: This sequence change replaces isoleucine with threonine at codon 1408 of the DST protein (p.Ile1408Thr). The DST gene has multiple clinically relevant transcripts. This variant occurs in alternate transcript NM_015548.4, and corresponds to NM_001723.5:c.*17674T>C in the primary transcript. This variant is not present in population databases (ExAC no frequency). This variant has not been reported in the literature in individuals affected with DST-related conditions. In summary, the available evidence is currently insufficient to determine the role of this variant in disease. Therefore, it has been classified as a Variant of Uncertain Significance. Experimental studies and prediction algorithms are not available or were not evaluated, and the functional significance of this variant is currently unknown.